The following is an entry in ClinVar:

NM_001348716.2(KDM6B):c.2077G>T (p.Asp693Tyr)

Gene: KDM6B (lysine demethylase 6B; plus strand). Cytogenetic location: 17p13.1.
Variant type: single nucleotide variant.
Coding change: c.2077G>T on transcript NM_001348716.2 (MANE Select); coding-DNA position 2077, G replaced by T.
Protein change: p.Asp693Tyr; replaces aspartic acid 693 with tyrosine.
Molecular consequence: missense variant.
Genome position (GRCh38, 1-based): chr17:7,848,365, G>T. VCF-style: chr17-7848365-G-T. GRCh37 (hg19) VCF-style: chr17-7751683-G-T.
Other names: c.2077G>T, p.Asp693Tyr (NM_001080424.2); short protein forms D693Y.
Identifiers: ClinVar variation 2574449 (VCV002574449.2), dbSNP rs2078609673, ClinGen allele CA397918675.

ClinVar aggregate classification (germline): Uncertain significance (1 of 4 stars; one submission).

Submission:

GeneDx
Classification: Uncertain significance. Last evaluated: 2023-11-25. Review status: criteria provided, single submitter. Criteria: GeneDx Variant Classification Process June 2021. Collection method: clinical testing. Allele origin: germline. Affected: yes.
Comment: Not observed at significant frequency in large population cohorts (gnomAD); In silico analysis supports that this missense variant has a deleterious effect on protein structure/function; Has not been previously published as pathogenic or benign to our knowledge